The following is an entry in ClinVar:

ClinVar aggregate classification (germline): Uncertain significance (1 of 4 stars; one submission).

Conditions:
Microphthalmia with brain and digit anomalies (MCOPS6). Also called: Microphthalmia, syndromic 6; MICROPHTHALMIA AND PITUITARY ANOMALIES. Identifiers: Orphanet 139471, MedGen C1864689, MONDO:0011936, OMIM 607932.
Orofacial cleft 11 (OFC11). Also called: Orofacial cleft 11; ofc11; CLEFT LIP WITH OR WITHOUT CLEFT PALATE, NONSYNDROMIC, 11. Identifiers: MedGen C2677434, MONDO:0010906, OMIM 600625.

Allele frequency attached by ClinVar (database versions not stated): gnomAD exomes 0.00001; ExAC 0.00002; TOPMed 0.00002; gnomAD 0.00004 and 0.00005; 1000 Genomes Project 0.00040; 1000 Genomes Project 30x 0.00047.
gnomAD v4.1: 20 of 1,614,216 alleles (0.0012%); highest among the groups gnomAD compares: African/African-American, 0.0067%; no homozygotes.

Submission:

Labcorp Genetics (formerly Invitae), Labcorp
Classification: Uncertain significance for Microphthalmia with brain and digit anomalies; Orofacial cleft 11. Last evaluated: 2025-01-21. Review status: criteria provided, single submitter. Criteria: Invitae Variant Classification Sherloc (09022015). Collection method: clinical testing. Allele origin: germline.
Comment: This sequence change replaces asparagine, which is neutral and polar, with serine, which is neutral and polar, at codon 362 of the BMP4 protein (p.Asn362Ser). This variant is present in population databases (rs546306238, gnomAD 0.008%). This variant has not been reported in the literature in individuals affected with BMP4-related conditions. ClinVar contains an entry for this variant (Variation ID: 1472848). Invitae Evidence Modeling of protein sequence and biophysical properties (such as structural, functional, and spatial information, amino acid conservation, physicochemical variation, residue mobility, and thermodynamic stability) indicates that this missense variant is not expected to disrupt BMP4 protein function with a negative predictive value of 80%. In summary, the available evidence is currently insufficient to determine the role of this variant in disease. Therefore, it has been classified as a Variant of Uncertain Significance.

NM_001202.6(BMP4):c.1085A>G (p.Asn362Ser)

Gene: BMP4 (bone morphogenetic protein 4; minus strand). Cytogenetic location: 14q22.2.
Variant type: single nucleotide variant.
Coding change: c.1085A>G on transcript NM_001202.6 (MANE Select); coding-DNA position 1085, A replaced by G.
Protein change: p.Asn362Ser; replaces asparagine 362 with serine.
Molecular consequence: missense variant.
Genome position (GRCh38, 1-based): chr14:53,950,174, T>C on the plus strand (A>G on the coding strand, the complement: BMP4 is on the minus strand). VCF-style: chr14-53950174-T-C. GRCh37 (hg19) VCF-style: chr14-54416892-T-C.
Other names: c.1226A>G, p.Asn409Ser (NM_001347912.1); c.896A>G, p.Asn299Ser (NM_001347913.2, NM_001347915.2, NM_001347917.1); c.1085A>G, p.Asn362Ser (NM_001347914.2, NM_001347916.1, NM_130850.5 and 1 more transcripts); short protein forms N362S, N409S, N299S.
Identifiers: ClinVar variation 1472848 (VCV001472848.6), dbSNP rs546306238, ClinGen allele CA7191630.
Genomic context (GRCh38, chr14:53,950,174, plus strand): 5'-GAGATGGCACTCAGTTCAGTGGGCACACAACAGGCTTTGGGGATACTGGAATTGACAGAA[T>C]TGACCAGGGTCTGCACAATGGCATGGTTGGTTGAGTTGAGGTGGTCAGCCAGTGGAAAGG-3'
Protein context (NP_001193.2, residues 352-372): TNHAIVQTLV[Asn362Ser]SVNSSIPKAC